The following is an entry in ClinVar:

NM_000439.5(PCSK1):c.271T>C (p.Ser91Pro)

Genes: CAST (calpastatin; plus strand), PCSK1 (proprotein convertase subtilisin/kexin type 1; minus strand), LOC101929710 (uncharacterized LOC101929710; plus strand). Cytogenetic location: 5q15.
Variant type: single nucleotide variant.
Coding change: c.271T>C on transcript NM_000439.5 (MANE Select); coding-DNA position 271, T replaced by C.
Protein change: p.Ser91Pro; replaces serine 91 with proline.
Molecular consequence: missense variant. On other transcripts: intron variant (11).
Genome position (GRCh38, 1-based): chr5:96,429,227, A>G on the plus strand (T>C on the coding strand, the complement: PCSK1 is on the minus strand). VCF-style: chr5-96429227-A-G. GRCh37 (hg19) VCF-style: chr5-95764931-A-G.
Other names: c.130T>C, p.Ser44Pro (NM_001177875.2); c.-175+49575A>G (NM_001423254.1, NM_001423259.1, NM_001423255.1 and 6 more transcripts); c.-103+49575A>G (NM_001423253.1); c.-40+49575A>G (NM_001423258.1); short protein forms S91P, S44P.
Identifiers: ClinVar variation 4994260 (VCV004994260.1).

ClinVar aggregate classification (germline): Uncertain significance (1 of 4 stars; one submission).

Conditions:
PCSK1-related disorder. Also called: PCSK1-related condition.

gnomAD v4.1: 1 of 1,542,440 alleles (0.000065%); highest among the groups gnomAD compares: Non-Finnish European, 0.00009%; no homozygotes.

Submission:

PreventionGenetics, part of Exact Sciences
Classification: Uncertain significance for PCSK1-related condition. Last evaluated: 2026-08-05. Review status: criteria provided, single submitter. Criteria: ACMG Guidelines, 2015. Collection method: clinical testing. Allele origin: germline.
Comment: The PCSK1 c.271T>C variant is predicted to result in the amino acid substitution p.Ser91Pro. This variant was observed in a cohort of individuals with obesity, and in vitro functional studies showed strong evidence of loss of function (Supplemental Data Set, Shah et al. 2023. PubMed ID: 36864747). This variant is reported in 0.00088% of alleles in individuals of European (Non-Finnish) descent in gnomAD. Although we suspect this variant may be pathogenic, at this time, the clinical significance of this variant is uncertain due to the absence of conclusive functional and genetic evidence.